The following is an entry in ClinVar:

NM_001123385.2(BCOR):c.442A>G (p.Ile148Val)

Genes: BCOR (BCL6 corepressor; minus strand), LOC126863239 (MED14-independent group 3 enhancer GRCh37_chrX:39932994-39934193; plus strand). Cytogenetic location: Xp11.4.
Variant type: single nucleotide variant.
Coding change: c.442A>G on transcript NM_001123385.2 (MANE Select); coding-DNA position 442, A replaced by G.
Protein change: p.Ile148Val; replaces isoleucine 148 with valine.
Molecular consequence: missense variant.
Genome position (GRCh38, 1-based): chrX:40,074,904, T>C on the plus strand (A>G on the coding strand, the complement: BCOR is on the minus strand). VCF-style: chrX-40074904-T-C. GRCh37 (hg19) VCF-style: chrX-39934157-T-C.
Other names: c.442A>G, p.Ile148Val (NM_017745.6, NM_001123383.2, NM_001123384.2); short protein forms I148V.
Identifiers: ClinVar variation 2174425 (VCV002174425.5), dbSNP rs2520120734, ClinGen allele CA412748728.

ClinVar aggregate classification (germline): Uncertain significance. Review status: criteria provided, multiple submitters, no conflicts (2 of 4 stars). 2 submissions from 2 submitters: Uncertain significance (2). Last evaluated 2025-02-14.

Conditions:
Inborn genetic diseases. Identifiers: MedGen C0950123, MeSH D030342.
Oculofaciocardiodental syndrome (MCOPS2). Identifiers: Orphanet 2712, MedGen C1846265, MONDO:0010261, OMIM 300166.

Allele frequency attached by ClinVar (database versions not stated): gnomAD exomes below 0.00001.
gnomAD v4.1: 1 of 1,211,284 alleles (0.000083%); highest among the groups gnomAD compares: Non-Finnish European, 0.00011%; no homozygotes.

Submissions (2):

Ambry Genetics
Classification: Uncertain significance for Inborn genetic diseases. Last evaluated: 2025-02-14. Review status: criteria provided, single submitter. Criteria: Ambry Variant Classification Scheme 2023. Collection method: clinical testing. Allele origin: germline.

Labcorp Genetics (formerly Invitae), Labcorp
Classification: Uncertain significance for Oculofaciocardiodental syndrome. Last evaluated: 2022-06-29. Review status: criteria provided, single submitter. Criteria: Invitae Variant Classification Sherloc (09022015). Collection method: clinical testing. Allele origin: germline.
Comment: In summary, the available evidence is currently insufficient to determine the role of this variant in disease. Therefore, it has been classified as a Variant of Uncertain Significance. Algorithms developed to predict the effect of missense changes on protein structure and function (SIFT, PolyPhen-2, Align-GVGD) all suggest that this variant is likely to be tolerated. This variant has not been reported in the literature in individuals affected with BCOR-related conditions. This variant is not present in population databases (gnomAD no frequency). This sequence change replaces isoleucine, which is neutral and non-polar, with valine, which is neutral and non-polar, at codon 148 of the BCOR protein (p.Ile148Val).